The following is an entry in ClinVar:

NM_152443.3(RDH12):c.199T>C (p.Tyr67His)

Genes: GPHN (gephyrin; plus strand), RDH12 (retinol dehydrogenase 12; plus strand). Cytogenetic location: 14q24.1.
Variant type: single nucleotide variant.
Coding change: c.199T>C on transcript NM_152443.3 (MANE Select); coding-DNA position 199, T replaced by C.
Protein change: p.Tyr67His; replaces tyrosine 67 with histidine.
Molecular consequence: missense variant.
Genome position (GRCh38, 1-based): chr14:67,725,110, T>C. VCF-style: chr14-67725110-T-C. GRCh37 (hg19) VCF-style: chr14-68191827-T-C.
Other names: c.199T>C (NM_152443.2); short protein forms Y67H.
Identifiers: ClinVar variation 1381211 (VCV001381211.8), dbSNP rs1345040413, ClinGen allele CA390148499.
Genomic context (GRCh38, chr14:67,725,110, plus strand): 5'-TTATAGCCTAGGATATGAACATACTGCTCTTTTTTTGTCTTGGACCCAGGAGCCCGAGTC[T>C]ATATTGCCTGCAGAGATGTACTGAAGGGGGAGTCTGCTGCCAGTGAAATCCGAGTGGATA-3'
Protein context (NP_689656.2, residues 57-77): RELASRGARV[Tyr67His]IACRDVLKGE

ClinVar aggregate classification (germline): Uncertain significance. Review status: criteria provided, single submitter (1 of 4 stars). 2 submissions from 2 submitters: Uncertain significance (1). 1 of the submissions does not count toward it. Last evaluated 2024-11-18.

Conditions:
Leber congenital amaurosis 13 (LCA13). Identifiers: MedGen C2675186, MONDO:0012990, OMIM 612712.
Leber congenital amaurosis (LCA). Also called: Leber's amaurosis. Identifiers: Orphanet 65, MedGen C0339527, MeSH D057130, MONDO:0018998.

Allele frequency attached by ClinVar (database versions not stated): gnomAD exomes below 0.00001; gnomAD 0.00001; TOPMed 0.00001.
gnomAD v4.1: 2 of 1,614,064 alleles (0.00012%); highest among the groups gnomAD compares: Admixed American, 0.0017%; no homozygotes.

Submissions (2):

Labcorp Genetics (formerly Invitae), Labcorp
Classification: Uncertain significance for Leber congenital amaurosis 13. Last evaluated: 2024-11-18. Review status: criteria provided, single submitter. Criteria: Invitae Variant Classification Sherloc (09022015). Collection method: clinical testing. Allele origin: germline.
Comment: This sequence change replaces tyrosine, which is neutral and polar, with histidine, which is basic and polar, at codon 67 of the RDH12 protein (p.Tyr67His). This variant is not present in population databases (gnomAD no frequency). This missense change has been observed in individual(s) with retinal dystrophy (internal data). In at least one individual the data is consistent with being in trans (on the opposite chromosome) from a pathogenic variant. ClinVar contains an entry for this variant (Variation ID: 1381211). Invitae Evidence Modeling of protein sequence and biophysical properties (such as structural, functional, and spatial information, amino acid conservation, physicochemical variation, residue mobility, and thermodynamic stability) indicates that this missense variant is not expected to disrupt RDH12 protein function with a negative predictive value of 80%. In summary, the available evidence is currently insufficient to determine the role of this variant in disease. Therefore, it has been classified as a Variant of Uncertain Significance.

Natera, Inc.
Classification: Uncertain significance for Leber congenital amaurosis. Last evaluated: 2025-02-10. Review status: no assertion criteria provided. Collection method: clinical testing. Allele origin: germline. Not counted in ClinVar's aggregate classification.